The following is an entry in ClinVar:

NM_001044385.3(TMEM237):c.505C>A (p.Pro169Thr)

Gene: TMEM237 (transmembrane protein 237; minus strand). Cytogenetic location: 2q33.1.
Variant type: single nucleotide variant.
Coding change: c.505C>A on transcript NM_001044385.3 (MANE Select); coding-DNA position 505, C replaced by A.
Protein change: p.Pro169Thr; replaces proline 169 with threonine.
Molecular consequence: missense variant.
Genome position (GRCh38, 1-based): chr2:201,632,099, G>T on the plus strand (C>A on the coding strand, the complement: TMEM237 is on the minus strand). VCF-style: chr2-201632099-G-T. GRCh37 (hg19) VCF-style: chr2-202496822-G-T.
Other names: c.481C>A, p.Pro161Thr (NM_152388.4); c.505C>A (NM_001044385.1); short protein forms P161T, P169T.
Identifiers: ClinVar variation 857251 (VCV000857251.7), dbSNP rs772074875, ClinGen allele CA2056467.

ClinVar aggregate classification (germline): Uncertain significance. Review status: criteria provided, multiple submitters, no conflicts (2 of 4 stars). 2 submissions from 2 submitters: Uncertain significance (2). Last evaluated 2025-01-23.

Conditions:
Inborn genetic diseases. Identifiers: MedGen C0950123, MeSH D030342.
Joubert syndrome 14 (JBTS14). Identifiers: MedGen C3280766, MONDO:0013745, OMIM 614424.

Allele frequency attached by ClinVar (database versions not stated): gnomAD 0.00003; TOPMed 0.00007.
gnomAD v4.1: 88 of 1,613,804 alleles (0.0055%); highest among the groups gnomAD compares: Admixed American, 0.017%; no homozygotes.

Submissions (2):

Ambry Genetics
Classification: Uncertain significance for Inborn genetic diseases. Last evaluated: 2025-01-23. Review status: criteria provided, single submitter. Criteria: Ambry Variant Classification Scheme 2023. Collection method: clinical testing. Allele origin: germline.

Labcorp Genetics (formerly Invitae), Labcorp
Classification: Uncertain significance for Joubert syndrome 14. Last evaluated: 2024-02-05. Review status: criteria provided, single submitter. Criteria: Invitae Variant Classification Sherloc (09022015). Collection method: clinical testing. Allele origin: germline.
Comment: This sequence change replaces proline, which is neutral and non-polar, with threonine, which is neutral and polar, at codon 169 of the TMEM237 protein (p.Pro169Thr). This variant is present in population databases (rs772074875, gnomAD 0.01%). This variant has not been reported in the literature in individuals affected with TMEM237-related conditions. ClinVar contains an entry for this variant (Variation ID: 857251). Advanced modeling of protein sequence and biophysical properties (such as structural, functional, and spatial information, amino acid conservation, physicochemical variation, residue mobility, and thermodynamic stability) performed at Invitae indicates that this missense variant is not expected to disrupt TMEM237 protein function with a negative predictive value of 80%. In summary, the available evidence is currently insufficient to determine the role of this variant in disease. Therefore, it has been classified as a Variant of Uncertain Significance.